The following is an entry in ClinVar:

NM_001348800.3(ZBTB20):c.1823G>A (p.Cys608Tyr)

Gene: ZBTB20 (zinc finger and BTB domain containing 20; minus strand). Cytogenetic location: 3q13.31.
Variant type: single nucleotide variant.
Coding change: c.1823G>A on transcript NM_001348800.3 (MANE Select); coding-DNA position 1823, G replaced by A.
Protein change: p.Cys608Tyr; replaces cysteine 608 with tyrosine.
Molecular consequence: missense variant. On other transcripts: non-coding transcript variant (1).
Genome position (GRCh38, 1-based): chr3:114,339,408, C>T on the plus strand (G>A on the coding strand, the complement: ZBTB20 is on the minus strand). VCF-style: chr3-114339408-C-T. GRCh37 (hg19) VCF-style: chr3-114058255-C-T.
Other names: c.1604G>A, p.Cys535Tyr (NM_001164347.2, NM_001348801.3, NM_001348802.3 and 9 more transcripts); c.1823G>A, p.Cys608Tyr (NM_001348803.3, NM_001393393.1, NM_001393394.1 and 1 more transcripts); short protein forms C535Y, C608Y.
Identifiers: ClinVar variation 2126639 (VCV002126639.4), dbSNP rs2550439168, ClinGen allele CA354001847.
Genomic context (GRCh38, chr3:114,339,408, plus strand): 5'-TGTGTCACCATGTGCTTGATAAGGTAATCCTTTAAGGAGAAGGAGCGCCAACAGATGCTG[C>T]ATTGGTGGGGCTTCTCACCTGTTGATGTAGGAAGAGACAGCAAGCAGGACAGAGCGAGAC-3'
Protein context (NP_001335729.1, residues 598-618): FVHTGEKPHQ[Cys608Tyr]SICWRSFSLK

ClinVar aggregate classification (germline): Uncertain significance (1 of 4 stars; one submission).

Submission:

Labcorp Genetics (formerly Invitae), Labcorp
Classification: Uncertain significance. Last evaluated: 2024-12-09. Review status: criteria provided, single submitter. Criteria: Invitae Variant Classification Sherloc (09022015). Collection method: clinical testing. Allele origin: germline.
Comment: This sequence change replaces cysteine, which is neutral and slightly polar, with tyrosine, which is neutral and polar, at codon 608 of the ZBTB20 protein (p.Cys608Tyr). This variant is not present in population databases (gnomAD no frequency). This variant has not been reported in the literature in individuals affected with ZBTB20-related conditions. ClinVar contains an entry for this variant (Variation ID: 2126639). Invitae Evidence Modeling of protein sequence and biophysical properties (such as structural, functional, and spatial information, amino acid conservation, physicochemical variation, residue mobility, and thermodynamic stability) indicates that this missense variant is expected to disrupt ZBTB20 protein function with a positive predictive value of 95%. In summary, the available evidence is currently insufficient to determine the role of this variant in disease. Therefore, it has been classified as a Variant of Uncertain Significance.